The following is an entry in ClinVar:

NM_022124.6(CDH23):c.9121C>G (p.Leu3041Val)

Gene: CDH23 (cadherin related 23; plus strand). Cytogenetic location: 10q22.1.
Variant type: single nucleotide variant.
Coding change: c.9121C>G on transcript NM_022124.6 (MANE Select); coding-DNA position 9121, C replaced by G.
Protein change: p.Leu3041Val; replaces leucine 3041 with valine.
Molecular consequence: missense variant.
Genome position (GRCh38, 1-based): chr10:71,811,358, C>G. VCF-style: chr10-71811358-C-G. GRCh37 (hg19) VCF-style: chr10-73571115-C-G.
Other names: c.2401C>G, p.Leu801Val (NM_001171933.1, NM_001171934.1); short protein forms L3041V, L801V.
Identifiers: ClinVar variation 2628054 (VCV002628054.4), dbSNP rs2494451548, ClinGen allele CA377134612.

ClinVar aggregate classification (germline): Conflicting classifications of pathogenicity. Review status: criteria provided, conflicting classifications (1 of 4 stars). 2 submissions from 2 submitters: Likely pathogenic (1); Uncertain significance (1). Last evaluated 2025-04-21.

Conditions:
Usher syndrome type 1D (USH1D). Also called: USHER SYNDROME, TYPE ID. Identifiers: Orphanet 231169, Orphanet 886, MedGen C1832845, MONDO:0010984, OMIM 601067.

Submissions (2):

Women's Health and Genetics/Laboratory Corporation of America, LabCorp
Classification: Uncertain significance. Last evaluated: 2025-04-21. Review status: criteria provided, single submitter. Criteria: LabCorp Variant Classification Summary - May 2015. Collection method: clinical testing. Allele origin: germline.
Comment: Variant summary: CDH23 c.9121C>G (p.Leu3041Val) results in a conservative amino acid change in the encoded protein sequence. Three of four in-silico tools predict a benign effect of the variant on protein function. The variant was absent in 249184 control chromosomes. The available data on variant occurrences in the general population are insufficient to allow any conclusion about variant significance. To our knowledge, no occurrence of c.9121C>G in individuals affected with Usher Syndrome and no experimental evidence demonstrating its impact on protein function have been reported. ClinVar contains an entry for this variant (Variation ID: 2628054). Based on the evidence outlined above, the variant was classified as uncertain significance.

DBGen Ocular Genomics
Classification: Likely pathogenic for Usher syndrome type 1D. Last evaluated: 2023-01-01. Review status: criteria provided, single submitter. Criteria: ACMG Guidelines, 2015. Collection method: clinical testing. Allele origin: unknown. Inheritance: Autosomal recessive inheritance. Affected: yes.
Comment: Class 4 ACMG Guidelines, 2015